The following is an entry in ClinVar:

NM_017763.6(RNF43):c.200G>A (p.Gly67Asp)

Gene: RNF43 (ring finger protein 43; minus strand). Cytogenetic location: 17q22.
Variant type: single nucleotide variant.
Coding change: c.200G>A on transcript NM_017763.6 (MANE Select); coding-DNA position 200, G replaced by A.
Protein change: p.Gly67Asp; replaces glycine 67 with aspartic acid.
Molecular consequence: missense variant.
Genome position (GRCh38, 1-based): chr17:58,415,378, C>T on the plus strand (G>A on the coding strand, the complement: RNF43 is on the minus strand). VCF-style: chr17-58415378-C-T. GRCh37 (hg19) VCF-style: chr17-56492739-C-T.
Other names: c.200G>A, p.Gly67Asp (NM_001305544.3); c.200G>A (NM_017763.4); short protein forms G67D.
Identifiers: ClinVar variation 3240361 (VCV003240361.2), dbSNP rs2143694823.
Genomic context (GRCh38, chr17:58,415,378, plus strand): 5'-ATACTTGCCTGCATTAATTTTCCTTCTGCTGGAGTTATTTCAGCAACACCAGCAAACACA[C>T]CTTCCAAAGTGAGATTCAGTTTTCCTGTGGGGTCCATTTTCAAGGGGATCACTCTGATAA-3'
Protein context (NP_060233.3, residues 57-77): PTGKLNLTLE[Gly67Asp]VFAGVAEITP

ClinVar aggregate classification (germline): Uncertain significance. Review status: criteria provided, multiple submitters, no conflicts (2 of 4 stars). 2 submissions from 2 submitters: Uncertain significance (2). Last evaluated 2025-04-08.

Conditions:
Sessile serrated polyposis cancer syndrome (SSPCS). Identifiers: Orphanet 157798, MedGen C4310714, MONDO:0014919, OMIM 617108.

Submissions (2):

Ambry Genetics
Classification: Uncertain significance. Last evaluated: 2025-04-08. Review status: criteria provided, single submitter. Criteria: Ambry Variant Classification Scheme 2023. Collection method: clinical testing. Allele origin: germline.
Comment: The p.G67D variant (also known as c.200G>A), located in coding exon 1 of the RNF43 gene, results from a G to A substitution at nucleotide position 200. The glycine at codon 67 is replaced by aspartic acid, an amino acid with similar properties. This amino acid position is highly conserved in available vertebrate species. In addition, this alteration is predicted to be deleterious by in silico analysis. The evidence for this gene-disease relationship is limited; therefore, the clinical significance of this alteration is unclear.

Baylor Genetics
Classification: Uncertain significance for Sessile serrated polyposis cancer syndrome. Last evaluated: 2024-02-10. Review status: criteria provided, single submitter. Criteria: ACMG Guidelines, 2015. Collection method: clinical testing. Allele origin: unknown.